The following is an entry in ClinVar:

ClinVar aggregate classification (germline): Likely pathogenic (0 of 4 stars; one submission).

Conditions:
Keratosis follicularis (DAR). Also called: Darier disease; Darier's disease. Identifiers: Orphanet 218, MedGen C0022595, MONDO:0007417, OMIM 124200.

Submission:

Medical Genetics Unit, Mauro Baschirotto Institute for Rare Disease
Classification: Likely pathogenic for Keratosis follicularis. Last evaluated: 2024-06-07. Review status: no assertion criteria provided. Collection method: provider interpretation. Allele origin: germline. Affected: yes. Observed: 1 variant allele.
Comment: The c.1454_1455dup variant has not been published as a pathogenic variant, nor has it been reported as a benign variant to our knowledge. This variant occurs in N-domain. This variant creates a premature translational stop signal (p.Glu486*), expected to result in an absent or disrupted protein product either through protein truncation or nonsense-mediated mRNA decay. To our knowledge, this variant has not been reported in the literature or in a large population database, indicating this variant is rare. According to Franklin by genoox ACMG classification this nonsense mutation results in a loss of function which is a known mechanism of disease (PVS1 very strong). Therefore, this variant is classified likely pathogenic.

NM_170665.4(ATP2A2):c.1454_1455dup (p.Glu486Ter)

Gene: ATP2A2 (ATPase sarcoplasmic/endoplasmic reticulum Ca2+ transporting 2; plus strand). Cytogenetic location: 12q24.11.
Variant type: Duplication.
Coding change: c.1454_1455dup on transcript NM_170665.4 (MANE Select); coding-DNA positions 1454 to 1455, 2 bases duplicated (TA; older notation c.1454_1455dupTA).
Protein change: p.Glu486Ter; replaces glutamic acid 486 with a stop codon.
Molecular consequence: nonsense.
Genome position (GRCh38, 1-based): chr12:110,339,315-110,339,316, TA duplicated. VCF-style (leftmost placement, unchanged base first): chr12-110339314-C-CTA. GRCh37 (hg19) VCF-style: chr12-110777119-C-CTA.
Other names: c.1349_1350dup, p.Glu451Ter (NM_001413013.1); c.1454_1455dup, p.Glu486Ter (NM_001413014.1, NM_001681.4); c.1079_1080dup, p.Glu361Ter (NM_001413015.1); short protein forms E361*, E451*, E486*.
Identifiers: ClinVar variation 3359246 (VCV003359246.2).
Genomic context (GRCh38, chr12:110,339,314, plus strand): 5'-TAGTATCCATATTTGTTCCCTTTGTAGGTCATTAAACAGCTGATGAAAAAGGAATTCACT[C>CTA]TAGAGTTTTCACGTGACAGAAAGTCAATGTCGGTTTACTGTACACCAAATAAACCAAGCA-3'